The following is an entry in ClinVar:

NM_024757.5(EHMT1):c.19G>A (p.Glu7Lys)

Genes: EHMT1 (euchromatic histone lysine methyltransferase 1; plus strand), LOC130003135 (ATAC-STARR-seq lymphoblastoid silent region 20636; plus strand). Cytogenetic location: 9q34.3.
Variant type: single nucleotide variant.
Coding change: c.19G>A on transcript NM_024757.5 (MANE Select); coding-DNA position 19, G replaced by A.
Protein change: p.Glu7Lys; replaces glutamic acid 7 with lysine.
Molecular consequence: missense variant. On other transcripts: 5 prime UTR variant (2).
Genome position (GRCh38, 1-based): chr9:137,619,047, G>A. VCF-style: chr9-137619047-G-A. GRCh37 (hg19) VCF-style: chr9-140513499-G-A.
Other names: c.19G>A, p.Glu7Lys (NM_001145527.2, NM_001354263.2, NM_001354611.2); c.-11G>A (NM_001354259.2, NM_001354612.2); short protein forms E7K.
Identifiers: ClinVar variation 2740423 (VCV002740423.21), dbSNP rs1483680534, ClinGen allele CA375778273.

ClinVar aggregate classification (germline): Uncertain significance. Review status: criteria provided, multiple submitters, no conflicts (2 of 4 stars). 2 submissions from 2 submitters: Uncertain significance (2). Last evaluated 2025-09-02.

Conditions:
Kleefstra syndrome 1 (KLEFS1). Identifiers: Orphanet 261494, MedGen C0795833, MONDO:0027407, OMIM 610253.

Submissions (2):

Labcorp Genetics (formerly Invitae), Labcorp
Classification: Uncertain significance for Kleefstra syndrome 1. Last evaluated: 2025-09-02. Review status: criteria provided, single submitter. Criteria: Invitae Variant Classification Sherloc (09022015). Collection method: clinical testing. Allele origin: germline.
Comment: This sequence change replaces glutamic acid, which is acidic and polar, with lysine, which is basic and polar, at codon 7 of the EHMT1 protein (p.Glu7Lys). The frequency data for this variant in the population databases is considered unreliable, as metrics indicate insufficient coverage at this position in the gnomAD database. This variant has not been reported in the literature in individuals affected with EHMT1-related conditions. ClinVar contains an entry for this variant (Variation ID: 2740423). An algorithm developed to predict the effect of missense changes on protein structure and function (PolyPhen-2) suggests that this variant is likely to be tolerated. In summary, the available evidence is currently insufficient to determine the role of this variant in disease. Therefore, it has been classified as a Variant of Uncertain Significance.

CeGaT Center for Human Genetics Tuebingen
Classification: Uncertain significance. Last evaluated: 2024-06-01. Review status: criteria provided, single submitter. Criteria: CeGaT Center For Human Genetics Tuebingen Variant Classification Criteria Version 2. Collection method: clinical testing. Allele origin: germline. Affected: yes. Observed: 1 variant allele.